The following is an entry in ClinVar:

ClinVar aggregate classification (germline): Pathogenic/Likely pathogenic; other. Review status: criteria provided, multiple submitters, no conflicts (2 of 4 stars). 3 submissions from 3 submitters: Pathogenic (1); Likely pathogenic (1). Last evaluated 2025-12-30.

Conditions:
NEK1-related disorder. Also called: NEK1-related condition.
Motor neuron disease. Also called: Degenerative motor system disease; Motor neuron disorder. Identifiers: Orphanet 98503, MedGen C0085084, MONDO:0020128.
Short-rib thoracic dysplasia 6 with or without polydactyly (SRTD6). Also called: POLYDACTYLY WITH NEONATAL CHONDRODYSTROPHY, TYPE II; Majewski Syndrome; SHORT RIB-POLYDACTYLY SYNDROME, TYPE IIA; SHORT-RIB THORACIC DYSPLASIA 6 WITH POLYDACTYLY; SHORT-RIB THORACIC DYSPLASIA 6 WITHOUT POLYDACTYLY. Identifiers: MedGen C0024507, MONDO:0009894, OMIM 263520.

Allele frequency attached by ClinVar (database versions not stated): TOPMed 0.00004; gnomAD exomes 0.00005 and 0.00011; gnomAD 0.00006 and 0.00007; 1000 Genomes Project 30x 0.00016; ExAC 0.00018; 1000 Genomes Project 0.00020.
gnomAD v4.1: 80 of 1,547,228 alleles (0.0052%); highest among the groups gnomAD compares: Admixed American, 0.0039%; no homozygotes.

Submissions (3):

PreventionGenetics, part of Exact Sciences
Classification: Likely pathogenic for NEK1-related condition. Last evaluated: 2025-12-30. Review status: criteria provided, single submitter. Criteria: ACMG Guidelines, 2015. Collection method: clinical testing. Allele origin: germline.
Comment: The NEK1 c.481C>T variant is predicted to result in premature protein termination (p.Arg161*). This variant has been reported in multiple individuals with amyotrophic lateral sclerosis (ALS, Table S4, Black et al. 2016. PubMed ID: 28089114; Supplementary Fig. 3a, Kenna et al. 2016. PubMed ID: 27455347; Internal Data, PreventionGenetics; Pensanto et al. 2025. PubMed ID: 40536530). Protein-truncating variants upstream and downstream of this variant have been reported to be pathogenic (HGMD, ClinVar). This variant is reported in 0.17% of alleles in individuals of Ashkenazi Jewish descent in gnomAD. Nonsense variants in NEK1 are expected to be pathogenic. This variant is interpreted as likely pathogenic.

Labcorp Genetics (formerly Invitae), Labcorp
Classification: Pathogenic for Short-rib thoracic dysplasia 6 with or without polydactyly. Last evaluated: 2025-10-01. Review status: criteria provided, single submitter. Criteria: Invitae Variant Classification Sherloc (09022015). Collection method: clinical testing. Allele origin: germline.
Comment: This sequence change creates a premature translational stop signal (p.Arg161*) in the NEK1 gene. It is expected to result in an absent or disrupted protein product. Loss-of-function variants in NEK1 are known to be pathogenic (PMID: 22499340, 29068549). This variant is present in population databases (rs202115635, gnomAD 0.1%). This premature translational stop signal has been observed in individual(s) with NEK1-related conditions (PMID: 28089114, 29431110). ClinVar contains an entry for this variant (Variation ID: 266058). For these reasons, this variant has been classified as Pathogenic.

Centre for Genomic and Experimental Medicine, University of Edinburgh
Classification: other for Motor neuron disease. Last evaluated: 2016-08-31. Review status: criteria provided, single submitter. Criteria: Submitter's publication. Collection method: case-control. Allele origin: unknown. Affected: yes. Observed: 1 heterozygote.
Comment: Loss-of-function but lacking segregation data

Literature cited by the submitters: PubMed 22499340 (cited by Labcorp Genetics (formerly Invitae), Labcorp); PubMed 29068549 (cited by Labcorp Genetics (formerly Invitae), Labcorp); PubMed 28089114 (cited by Labcorp Genetics (formerly Invitae), Labcorp and Centre for Genomic and Experimental Medicine, University of Edinburgh); PubMed 29431110 (cited by Labcorp Genetics (formerly Invitae), Labcorp).

NM_001199397.3(NEK1):c.481C>T (p.Arg161Ter)

Gene: NEK1 (NIMA related kinase 1; minus strand). Cytogenetic location: 4q33.
Variant type: single nucleotide variant.
Coding change: c.481C>T on transcript NM_001199397.3 (MANE Select); coding-DNA position 481, C replaced by T.
Protein change: p.Arg161Ter; replaces arginine 161 with a stop codon.
Molecular consequence: nonsense. On other transcripts: non-coding transcript variant (2).
Genome position (GRCh38, 1-based): chr4:169,588,719, G>A on the plus strand (C>T on the coding strand, the complement: NEK1 is on the minus strand). VCF-style: chr4-169588719-G-A. GRCh37 (hg19) VCF-style: chr4-170509870-G-A.
Other names: c.481C>T, p.Arg161Ter (NM_001199398.3, NM_001199399.3, NM_001199400.3 and 7 more transcripts); short protein forms R161*.
Identifiers: ClinVar variation 266058 (VCV000266058.9), dbSNP rs202115635, ClinGen allele CA3138011.